The following is an entry in ClinVar:

ClinVar aggregate classification (germline): Likely pathogenic (1 of 4 stars; one submission).

Submission:

Labcorp Genetics (formerly Invitae), Labcorp
Classification: Likely pathogenic. Last evaluated: 2025-12-21. Review status: criteria provided, single submitter. Criteria: Invitae Variant Classification Sherloc (09022015). Collection method: clinical testing. Allele origin: germline.
Comment: This sequence change affects a donor splice site in intron 34 of the MYO5B gene. It is expected to disrupt RNA splicing. Variants that disrupt the donor or acceptor splice site typically lead to a loss of protein function (PMID: 16199547), and loss-of-function variants in MYO5B are known to be pathogenic (PMID: 18724368, 20186687). This variant is not present in population databases (gnomAD no frequency). This variant has not been reported in the literature in individuals affected with MYO5B-related conditions. Algorithms developed to predict the effect of sequence changes on RNA splicing suggest that this variant may disrupt the consensus splice site. In summary, the currently available evidence indicates that the variant is pathogenic, but additional data are needed to prove that conclusively. Therefore, this variant has been classified as Likely Pathogenic.

Literature cited by the submitters: PubMed 16199547; PubMed 18724368; PubMed 20186687.

NM_001080467.3(MYO5B):c.4611+1G>A

Genes: MYO5B (myosin VB; minus strand), SNHG22 (small nucleolar RNA host gene 22; plus strand). Cytogenetic location: 18q21.1.
Variant type: single nucleotide variant.
Coding change: c.4611+1G>A on transcript NM_001080467.3 (MANE Select); the canonical splice donor site of the intron after coding-DNA position 4611, G replaced by A.
Molecular consequence: splice donor variant.
Genome position (GRCh38, 1-based): chr18:49,843,240, C>T on the plus strand (G>A on the coding strand, the complement: MYO5B is on the minus strand). VCF-style: chr18-49843240-C-T. GRCh37 (hg19) VCF-style: chr18-47369610-C-T.
Identifiers: ClinVar variation 4763840 (VCV004763840.1).
Genomic context (GRCh38, chr18:49,843,240, plus strand): 5'-AGTAAGGGGCTGGCTTCACTCTACCCACCACAAACCATGACCTTCTGCAGGGGCTGCTTA[C>T]TTTCAGGACTTTCTTAATGCCGTTGATGGTGGAGGTCAGCAGGGAGTGCACCTTGAGATC-3'